The following is an entry in ClinVar:

ClinVar aggregate classification (germline): Pathogenic (1 of 4 stars; one submission).

Conditions:
Methylmalonic aciduria and homocystinuria type cblD (MAHCD). Also called: METHYLMALONIC ACIDEMIA, cblH TYPE; Methylmalonic aciduria with homocystinuria cblD type. Identifiers: Orphanet 622, Orphanet 79283, MedGen C1848552, MONDO:0010185, OMIM 277410.

Submission:

Labcorp Genetics (formerly Invitae), Labcorp
Classification: Pathogenic for Methylmalonic aciduria and homocystinuria type cblD. Last evaluated: 2023-11-06. Review status: criteria provided, single submitter. Criteria: Invitae Variant Classification Sherloc (09022015). Collection method: clinical testing. Allele origin: unknown.
Comment: A gross deletion of the genomic region encompassing the full coding sequence of the MMADHC gene has been identified. Loss-of-function variants in MMADHC are known to be pathogenic (PMID: 18385497). The boundaries of this event are unknown as they extend beyond the assayed region for this gene and therefore may encompass additional genes. This variant has not been reported in the literature in individuals affected with MMADHC-related conditions. For these reasons, this variant has been classified as Pathogenic.

Literature cited by the submitters: PubMed 18385497.

NC_000002.11:g.(?_150426488)_(150443611_?)del

Gene: MMADHC (metabolism of cobalamin associated D; minus strand). Cytogenetic location: 2q23.2.
Variant type: Deletion.
Identifiers: ClinVar variation 3247250 (VCV003247250.1).